The following is an entry in ClinVar:

ClinVar aggregate classification (germline): Uncertain significance (1 of 4 stars; one submission).

Conditions:
Diamond-Blackfan anemia. Also called: Blackfan Diamond syndrome; Aregenerative anemia chronic congenital; Red cell aplasia, pure hereditary; Congenital hypoplastic anemia; Aase syndrome. Identifiers: Orphanet 124, MedGen C1260899, MeSH D029503, MONDO:0015253, HP:0004810.

Submission:

Labcorp Genetics (formerly Invitae), Labcorp
Classification: Uncertain significance for Diamond-Blackfan anemia. Last evaluated: 2025-03-26. Review status: criteria provided, single submitter. Criteria: Invitae Variant Classification Sherloc (09022015). Collection method: clinical testing. Allele origin: germline.
Comment: This sequence change replaces glycine, which is neutral and non-polar, with alanine, which is neutral and non-polar, at codon 80 of the RPS19 protein (p.Gly80Ala). This variant is not present in population databases (gnomAD no frequency). This variant has not been reported in the literature in individuals affected with RPS19-related conditions. An algorithm developed to predict the effect of missense changes on protein structure and function (PolyPhen-2) suggests that this variant is likely to be disruptive. In summary, the available evidence is currently insufficient to determine the role of this variant in disease. Therefore, it has been classified as a Variant of Uncertain Significance.

NM_001022.4(RPS19):c.239G>C (p.Gly80Ala)

Genes: RPS19 (ribosomal protein S19; plus strand), RPS19-CD79A (RPS19-CD79A readthrough; plus strand). Cytogenetic location: 19q13.2.
Variant type: single nucleotide variant.
Coding change: c.239G>C on transcript NM_001022.4 (MANE Select); coding-DNA position 239, G replaced by C.
Protein change: p.Gly80Ala; replaces glycine 80 with alanine.
Molecular consequence: missense variant.
Genome position (GRCh38, 1-based): chr19:41,869,097, G>C. VCF-style: chr19-41869097-G-C. GRCh37 (hg19) VCF-style: chr19-42373167-G-C.
Other names: c.239G>C, p.Gly80Ala (NM_001321483.2, NM_001321484.2); c.252G>C, p.Trp84Cys (NM_001321485.2); short protein forms W84C, G80A.
Identifiers: ClinVar variation 4768501 (VCV004768501.1).